The following is an entry in ClinVar:

ClinVar aggregate classification (germline): Uncertain significance (1 of 4 stars; one submission).

gnomAD v4.1: 3 of 1,613,970 alleles (0.00019%); highest among the groups gnomAD compares: Non-Finnish European, 0.00017%; no homozygotes.

Submission:

Labcorp Genetics (formerly Invitae), Labcorp
Classification: Uncertain significance. Last evaluated: 2020-02-03. Review status: criteria provided, single submitter. Criteria: Invitae Variant Classification Sherloc (09022015). Collection method: clinical testing. Allele origin: germline.
Comment: In summary, the available evidence is currently insufficient to determine the role of this variant in disease. Therefore, it has been classified as a Variant of Uncertain Significance. Algorithms developed to predict the effect of missense changes on protein structure and function output the following: SIFT: "Tolerated"; PolyPhen-2: "Benign"; Align-GVGD: "Class C0". The valine amino acid residue is found in multiple mammalian species, suggesting that this missense change does not adversely affect protein function. These predictions have not been confirmed by published functional studies and their clinical significance is uncertain. This variant has not been reported in the literature in individuals with CNGB1-related conditions. This variant is not present in population databases (ExAC no frequency). This sequence change replaces alanine with valine at codon 149 of the CNGB1 protein (p.Ala149Val). The alanine residue is weakly conserved and there is a small physicochemical difference between alanine and valine.

NM_001297.5(CNGB1):c.446C>T (p.Ala149Val)

Gene: CNGB1 (cyclic nucleotide gated channel subunit beta 1; minus strand). Cytogenetic location: 16q21.
Variant type: single nucleotide variant.
Coding change: c.446C>T on transcript NM_001297.5 (MANE Select); coding-DNA position 446, C replaced by T.
Protein change: p.Ala149Val; replaces alanine 149 with valine.
Molecular consequence: missense variant.
Genome position (GRCh38, 1-based): chr16:57,962,577, G>A on the plus strand (C>T on the coding strand, the complement: CNGB1 is on the minus strand). VCF-style: chr16-57962577-G-A. GRCh37 (hg19) VCF-style: chr16-57996481-G-A.
Other names: c.446C>T, p.Ala149Val (NM_001135639.2, NM_001286130.2); short protein forms A149V.
Identifiers: ClinVar variation 1053476 (VCV001053476.9), dbSNP rs2149387761, ClinGen allele CA396078568.
Genomic context (GRCh38, chr16:57,962,577, plus strand): 5'-CCCACCCACACATACAGACAACAGTGACACTCAGGGATAGGGACTCACCTAGTGTCTTGG[G>A]CCTCAAGGGCCTCATTGGGTTCATCTGTGCACCCTGCAGGGTCAGAAAATACAGAAAGGC-3'
Protein context (NP_001288.3, residues 139-159): CTDEPNEALE[Ala149Val]QDTRPGLRLL